The following is an entry in ClinVar:

NM_000136.3(FANCC):c.-79+92A>G

Gene: FANCC (FA complementation group C; minus strand). Cytogenetic location: 9q22.32.
Variant type: single nucleotide variant.
Coding change: c.-79+92A>G on transcript NM_000136.3 (MANE Select); 92 bases into the intron after 79 bases upstream of the start codon, A replaced by G.
Molecular consequence: intron variant.
Genome position (GRCh38, 1-based): chr9:95,317,434, T>C on the plus strand (A>G on the coding strand, the complement: FANCC is on the minus strand). VCF-style: chr9-95317434-T-C. GRCh37 (hg19) VCF-style: chr9-98079716-T-C.
Other names: c.-79+92A>G (NM_001243744.2).
Identifiers: ClinVar variation 676630 (VCV000676630.1), dbSNP rs570084474, ClinGen allele CA196952496.
Genomic context (GRCh38, chr9:95,317,434, plus strand): 5'-TCTCGCCCACCGCAAGGCGCGCCTGGCCCACCCGCTCTCGCGAGCCTTCCCTCTTGCCCC[T>C]CGCCTCCTCCTCCCGCTCTCGCCGCTGACGTGTCGGCCAGACCCCCGAGGGAAGCCTCCG-3'

ClinVar aggregate classification (germline): Likely benign (1 of 4 stars; one submission).

Allele frequency attached by ClinVar (database versions not stated): gnomAD exomes 0.00208; 1000 Genomes Project 0.00339; 1000 Genomes Project 30x 0.00344; TOPMed 0.00773; gnomAD 0.00971 and 0.00997.
gnomAD v4.1: 1,489 of 152,568 alleles (0.98%); highest among the groups gnomAD compares: Non-Finnish European, 1.3%; 16 homozygotes.

Submission:

GeneDx
Classification: Likely benign. Last evaluated: 2018-06-18. Review status: criteria provided, single submitter. Criteria: GeneDx Variant Classification (06012015). Collection method: clinical testing. Allele origin: germline. Affected: yes.
Comment: This variant is considered likely benign or benign based on one or more of the following criteria: it is a conservative change, it occurs at a poorly conserved position in the protein, it is predicted to be benign by multiple in silico algorithms, and/or has population frequency not consistent with disease.